The following is an entry in ClinVar:

NM_003737.4(DCHS1):c.701C>G (p.Pro234Arg)

Gene: DCHS1 (dachsous cadherin-related 1; minus strand). Cytogenetic location: 11p15.4.
Variant type: single nucleotide variant.
Coding change: c.701C>G on transcript NM_003737.4 (MANE Select); coding-DNA position 701, C replaced by G.
Protein change: p.Pro234Arg; replaces proline 234 with arginine.
Molecular consequence: missense variant.
Genome position (GRCh38, 1-based): chr11:6,640,913, G>C on the plus strand (C>G on the coding strand, the complement: DCHS1 is on the minus strand). VCF-style: chr11-6640913-G-C. GRCh37 (hg19) VCF-style: chr11-6662144-G-C.
Other names: c.701C>G (NM_003737.3); short protein forms P234R.
Identifiers: ClinVar variation 1048964 (VCV001048964.10), dbSNP rs149022037, ClinGen allele CA5861106.

ClinVar aggregate classification (germline): Benign/Likely benign. Review status: criteria provided, multiple submitters, no conflicts (2 of 4 stars). 3 submissions from 3 submitters: Benign (1); Likely benign (1). 1 of the submissions does not count toward it. Last evaluated 2025-11-06.

Conditions:
DCHS1-related disorder. Also called: DCHS1-related condition.

Allele frequency attached by ClinVar (database versions not stated): ESP Exome Variant Server 0.00015; 1000 Genomes Project 30x 0.00016; 1000 Genomes Project 0.00020.
gnomAD v4.1: 236 of 1,614,058 alleles (0.015%); highest among the groups gnomAD compares: Non-Finnish European, 0.0069%; no homozygotes.

Submissions (3):

Labcorp Genetics (formerly Invitae), Labcorp
Classification: Benign. Last evaluated: 2025-11-06. Review status: criteria provided, single submitter. Criteria: Invitae Variant Classification Sherloc (09022015). Collection method: clinical testing. Allele origin: germline.

PreventionGenetics, part of Exact Sciences
Classification: Likely benign for DCHS1-related condition. Last evaluated: 2025-05-08. Review status: criteria provided, single submitter. Criteria: ACMG Guidelines, 2015. Collection method: clinical testing. Allele origin: germline.
Comment: This variant is classified as likely benign based on ACMG/AMP sequence variant interpretation guidelines (Richards et al. 2015 PMID: 25741868, with internal and published modifications).

Department of Pathology and Laboratory Medicine, Sinai Health System
Classification: Uncertain significance. Review status: no assertion criteria provided. Collection method: clinical testing. Allele origin: unknown. Affected: yes. Study: The Canadian Open Genetics Repository (COGR). Not counted in ClinVar's aggregate classification.
Comment: The DCHS1 p.Pro234Arg variant was not identified in the literature nor was it identified in ClinVar, Cosmic or LOVD 3.0. The variant was identified in dbSNP (ID: rs149022037) and in control databases in 46 of 282494 chromosomes at a frequency of 0.000163 (Genome Aggregation Database Feb 27, 2017). The variant was observed in the following populations: Ashkenazi Jewish in 35 of 10354 chromosomes (freq: 0.00338), European (non-Finnish) in 9 of 128876 chromosomes (freq: 0.00007), East Asian in 1 of 19952 chromosomes (freq: 0.00005) and South Asian in 1 of 30616 chromosomes (freq: 0.000033), but was not observed in the African, Latino, European (Finnish) or Other populations. The p.Pro234 residue is conserved in mammals and computational analyses (PolyPhen-2, SIFT, AlignGVGD, BLOSUM, MutationTaster) provide inconsistent predictions regarding the impact to the protein; this information is not very predictive of pathogenicity. The variant occurs outside of the splicing consensus sequence and in silico or computational prediction software programs (SpliceSiteFinder, MaxEntScan, NNSPLICE, GeneSplicer) do not predict a difference in splicing. In summary, based on the above information the clinical significance of this variant cannot be determined with certainty at this time. This variant is classified as a variant of uncertain significance.